The following is an entry in ClinVar:

ClinVar aggregate classification (germline): Uncertain significance. Review status: criteria provided, multiple submitters, no conflicts (2 of 4 stars). 2 submissions from 2 submitters: Uncertain significance (2). Last evaluated 2025-04-21.

Conditions:
DICER1-related tumor predisposition. Also called: DICER1-related pleuropulmonary blastoma cancer predisposition syndrome; DICER1 syndrome. Identifiers: Orphanet 284343, MedGen C3839822, MONDO:0100216.
Hereditary cancer-predisposing syndrome. Also called: Neoplastic Syndromes, Hereditary; Hereditary Cancer Syndrome; Tumor predisposition; Hereditary neoplastic syndrome. Identifiers: Orphanet 140162, MedGen C0027672, MeSH D009386, MONDO:0015356.

Submissions (2):

Labcorp Genetics (formerly Invitae), Labcorp
Classification: Uncertain significance for DICER1-related tumor predisposition. Last evaluated: 2025-04-21. Review status: criteria provided, single submitter. Criteria: Invitae Variant Classification Sherloc (09022015). Collection method: clinical testing. Allele origin: germline.
Comment: This sequence change replaces aspartic acid, which is acidic and polar, with glutamic acid, which is acidic and polar, at codon 979 of the DICER1 protein (p.Asp979Glu). This variant is not present in population databases (gnomAD no frequency). This variant has not been reported in the literature in individuals affected with DICER1-related conditions. ClinVar contains an entry for this variant (Variation ID: 1441186). Invitae Evidence Modeling of protein sequence and biophysical properties (such as structural, functional, and spatial information, amino acid conservation, physicochemical variation, residue mobility, and thermodynamic stability) indicates that this missense variant is not expected to disrupt DICER1 protein function with a negative predictive value of 95%. In summary, the available evidence is currently insufficient to determine the role of this variant in disease. Therefore, it has been classified as a Variant of Uncertain Significance.

Ambry Genetics
Classification: Uncertain significance for Hereditary cancer-predisposing syndrome. Last evaluated: 2023-04-19. Review status: criteria provided, single submitter. Criteria: Ambry Variant Classification Scheme 2023. Collection method: clinical testing. Allele origin: germline.
Comment: The p.D979E variant (also known as c.2937C>G), located in coding exon 17 of the DICER1 gene, results from a C to G substitution at nucleotide position 2937. The aspartic acid at codon 979 is replaced by glutamic acid, an amino acid with highly similar properties. This amino acid position is highly conserved in available vertebrate species. In addition, this alteration is predicted to be tolerated by in silico analysis. Since supporting evidence is limited at this time, the clinical significance of this alteration remains unclear.

NM_177438.3(DICER1):c.2937C>G (p.Asp979Glu)

Gene: DICER1 (dicer 1, ribonuclease III; minus strand). Cytogenetic location: 14q32.13.
Variant type: single nucleotide variant.
Coding change: c.2937C>G on transcript NM_177438.3 (MANE Select); coding-DNA position 2937, C replaced by G.
Protein change: p.Asp979Glu; replaces aspartic acid 979 with glutamic acid.
Molecular consequence: missense variant.
Genome position (GRCh38, 1-based): chr14:95,106,091, G>C on the plus strand (C>G on the coding strand, the complement: DICER1 is on the minus strand). VCF-style: chr14-95106091-G-C. GRCh37 (hg19) VCF-style: chr14-95572428-G-C.
Other names: c.2937C>G, p.Asp979Glu (NM_001195573.1, NM_001271282.3, NM_001291628.2 and 1 more transcripts); c.2937C>G (NM_177438.2); short protein forms D979E.
Identifiers: ClinVar variation 1441186 (VCV001441186.10), dbSNP rs1555370289, ClinGen allele CA390878906.